The following is an entry in ClinVar:

NM_006439.5(MAB21L2):c.650C>A (p.Ser217Ter)

Genes: LRBA (LPS responsive beige-like anchor protein; minus strand), MAB21L2 (mab-21 like 2; plus strand). Cytogenetic location: 4q31.3.
Variant type: single nucleotide variant.
Coding change: c.650C>A on transcript NM_006439.5 (MANE Select); coding-DNA position 650, C replaced by A.
Protein change: p.Ser217Ter; replaces serine 217 with a stop codon.
Molecular consequence: nonsense. On other transcripts: intron variant (6).
Genome position (GRCh38, 1-based): chr4:150,583,679, C>A. VCF-style: chr4-150583679-C-A. GRCh37 (hg19) VCF-style: chr4-151504831-C-A.
Other names: c.6330+4369G>T (NM_001367550.1, NM_001199282.3, NM_001364905.1 and 1 more transcripts); c.6363+4369G>T (NM_006726.5, NM_001440430.1); short protein forms S217*.
Identifiers: ClinVar variation 1021340 (VCV001021340.6), dbSNP rs1771700758, ClinGen allele CA358603523.
Genomic context (GRCh38, chr4:150,583,679, plus strand): 5'-CCAATCGGGTGGCCGAGGTCAAGGCCGAAGGGTTCAACTTGCTCTCGAAGGAGTGCTACT[C>A]GCTGACCGGCAAGCAGAGCTCGGCAGAGAGCGACGCCTGGGTGCTACAGTTCGGGGAGGC-3'

ClinVar aggregate classification (germline): Uncertain significance (1 of 4 stars; one submission).

Submission:

Labcorp Genetics (formerly Invitae), Labcorp
Classification: Uncertain significance. Last evaluated: 2017-07-24. Review status: criteria provided, single submitter. Criteria: Invitae Variant Classification Sherloc (09022015). Collection method: clinical testing. Allele origin: germline.
Comment: This sequence change results in a premature translational stop signal in the MAB21L2 gene (p.Ser217*). While this is not anticipated to result in nonsense mediated decay, it is expected to delete the last 143 amino acids of the MAB21L2 protein. This variant is not present in population databases (ExAC no frequency). This variant has not been reported in the literature in individuals with MAB21L2-related disease. In summary, the available evidence is currently insufficient to determine the role of this variant in disease. Therefore, it has been classified as a Variant of Uncertain Significance. The current clinical and genetic evidence is not sufficient to establish whether loss-of-function variants in MAB21L2 cause disease.